The following is an entry in ClinVar:

ClinVar aggregate classification (germline): Uncertain significance. Review status: criteria provided, multiple submitters, no conflicts (2 of 4 stars). 2 submissions from 2 submitters: Uncertain significance (2). Last evaluated 2021-07-25.

Conditions:
Hereditary cancer-predisposing syndrome. Also called: Neoplastic Syndromes, Hereditary; Hereditary Cancer Syndrome; Tumor predisposition; Hereditary neoplastic syndrome. Identifiers: Orphanet 140162, MedGen C0027672, MeSH D009386, MONDO:0015356.
Inborn genetic diseases. Identifiers: MedGen C0950123, MeSH D030342.

Allele frequency attached by ClinVar (database versions not stated): gnomAD exomes below 0.00001; ExAC 0.00001.
gnomAD v4.1: 3 of 1,612,928 alleles (0.00019%); highest among the groups gnomAD compares: Non-Finnish European, 0.00025%; no homozygotes.

Submissions (2):

Ambry Genetics
Classification: Uncertain significance for Inborn genetic diseases. Last evaluated: 2021-07-25. Review status: criteria provided, single submitter. Criteria: Ambry Variant Classification Scheme 2023. Collection method: clinical testing. Allele origin: germline.
Comment: The p.Y167C variant (also known as c.500A>G), located in coding exon 2 of the PIK3CA gene, results from an A to G substitution at nucleotide position 500. The tyrosine at codon 167 is replaced by cysteine, an amino acid with highly dissimilar properties. This amino acid position is conserved. In addition, this alteration is predicted to be tolerated by in silico analysis. Since supporting evidence is limited at this time, the clinical significance of this alteration remains unclear.

Mendelics
Classification: Uncertain significance for Hereditary cancer-predisposing syndrome. Last evaluated: 2018-07-02. Review status: criteria provided, single submitter. Criteria: Mendelics Assertion Criteria 2017. Collection method: clinical testing. Allele origin: unknown.

NM_006218.4(PIK3CA):c.500A>G (p.Tyr167Cys)

Gene: PIK3CA (phosphatidylinositol-4,5-bisphosphate 3-kinase catalytic subunit alpha; plus strand). Cytogenetic location: 3q26.32.
Variant type: single nucleotide variant.
Coding change: c.500A>G on transcript NM_006218.4 (MANE Select); coding-DNA position 500, A replaced by G.
Protein change: p.Tyr167Cys; replaces tyrosine 167 with cysteine.
Molecular consequence: missense variant.
Genome position (GRCh38, 1-based): chr3:179,199,837, A>G. VCF-style: chr3-179199837-A-G. GRCh37 (hg19) VCF-style: chr3-178917625-A-G.
Other names: short protein forms Y167C.
Identifiers: ClinVar variation 584649 (VCV000584649.4), dbSNP rs761264437, ClinGen allele CA2710548.